The following is an entry in ClinVar:

ClinVar aggregate classification (germline): Uncertain significance (1 of 4 stars; one submission).

Conditions:
ADCY3-related disorder. Also called: ADCY3-related condition.

gnomAD v4.1: 8 of 1,614,090 alleles (0.0005%); highest among the groups gnomAD compares: Admixed American, 0.0017%; no homozygotes.

Submission:

PreventionGenetics, part of Exact Sciences
Classification: Uncertain significance for ADCY3-related condition. Last evaluated: 2024-11-04. Review status: criteria provided, single submitter. Criteria: ACMG Guidelines, 2015. Collection method: clinical testing. Allele origin: germline.
Comment: The ADCY3 c.1471C>T variant is predicted to result in the amino acid substitution p.Leu491Phe. To our knowledge, this variant has not been reported in the literature. This variant is reported in 0.00088% of alleles in individuals of European (Non-Finnish) descent in gnomAD. At this time, the clinical significance of this variant is uncertain due to the absence of conclusive functional and genetic evidence.

NM_004036.5(ADCY3):c.1471C>T (p.Leu491Phe)

Gene: ADCY3 (adenylate cyclase 3; minus strand). Cytogenetic location: 2p23.3.
Variant type: single nucleotide variant.
Coding change: c.1471C>T on transcript NM_004036.5 (MANE Select); coding-DNA position 1471, C replaced by T.
Protein change: p.Leu491Phe; replaces leucine 491 with phenylalanine.
Molecular consequence: missense variant.
Genome position (GRCh38, 1-based): chr2:24,838,507, G>A on the plus strand (C>T on the coding strand, the complement: ADCY3 is on the minus strand). VCF-style: chr2-24838507-G-A. GRCh37 (hg19) VCF-style: chr2-25061376-G-A.
Other names: c.1471C>T, p.Leu491Phe (NM_001320613.2, NM_001377129.1, NM_001377130.1 and 1 more transcripts); c.1537C>T, p.Leu513Phe (NM_001377128.1); c.748C>T, p.Leu250Phe (NM_001377131.1); short protein forms L250F, L491F, L513F.
Identifiers: ClinVar variation 4990805 (VCV004990805.1).